The following is an entry in ClinVar:

NM_032608.7(MYO18B):c.1225C>T (p.Arg409Trp)

Gene: MYO18B (myosin XVIIIB; plus strand). Cytogenetic location: 22q12.1.
Variant type: single nucleotide variant.
Coding change: c.1225C>T on transcript NM_032608.7 (MANE Select); coding-DNA position 1225, C replaced by T.
Protein change: p.Arg409Trp; replaces arginine 409 with tryptophan.
Molecular consequence: missense variant.
Genome position (GRCh38, 1-based): chr22:25,769,141, C>T. VCF-style: chr22-25769141-C-T. GRCh37 (hg19) VCF-style: chr22-26165108-C-T.
Other names: c.1225C>T (NM_032608.5); c.1225C>T, p.Arg409Trp (NM_001318245.2); short protein forms R409W.
Identifiers: ClinVar variation 1930527 (VCV001930527.7), dbSNP rs753303836, ClinGen allele CA10159782.

ClinVar aggregate classification (germline): Uncertain significance. Review status: criteria provided, multiple submitters, no conflicts (2 of 4 stars). 3 submissions from 3 submitters: Uncertain significance (3). Last evaluated 2025-06-12.

Conditions:
Klippel-Feil anomaly-myopathy-facial dysmorphism syndrome. Also called: Klippel-feil syndrome 4, autosomal recessive, with nemaline myopathy and facial dysmorphism; Klippel-Feil syndrome 4, autosomal recessive, with myopathy and facial dysmorphism. Identifiers: Orphanet 447974, MedGen C4225285, MONDO:0014689, OMIM 616549.
Inborn genetic diseases. Identifiers: MedGen C0950123, MeSH D030342.

Allele frequency attached by ClinVar (database versions not stated): gnomAD 0.00003; ExAC 0.00001; TOPMed 0.00002.
gnomAD v4.1: 47 of 1,613,298 alleles (0.0029%); highest among the groups gnomAD compares: South Asian, 0.0055%; no homozygotes.

Submissions (3):

Revvity Omics, Revvity
Classification: Uncertain significance for Klippel-Feil anomaly-myopathy-facial dysmorphism syndrome. Last evaluated: 2025-06-12. Review status: criteria provided, single submitter. Criteria: ACMG Guidelines, 2015. Collection method: clinical testing. Allele origin: germline.

Ambry Genetics
Classification: Uncertain significance for Inborn genetic diseases. Last evaluated: 2023-03-21. Review status: criteria provided, single submitter. Criteria: Ambry Variant Classification Scheme 2023. Collection method: clinical testing. Allele origin: germline.

Labcorp Genetics (formerly Invitae), Labcorp
Classification: Uncertain significance. Last evaluated: 2022-11-01. Review status: criteria provided, single submitter. Criteria: Invitae Variant Classification Sherloc (09022015). Collection method: clinical testing. Allele origin: germline.
Comment: This sequence change replaces arginine, which is basic and polar, with tryptophan, which is neutral and slightly polar, at codon 409 of the MYO18B protein (p.Arg409Trp). This variant is present in population databases (rs753303836, gnomAD 0.003%). This variant has not been reported in the literature in individuals affected with MYO18B-related conditions. Algorithms developed to predict the effect of missense changes on protein structure and function are either unavailable or do not agree on the potential impact of this missense change (SIFT: "Not Available"; PolyPhen-2: "Possibly Damaging"; Align-GVGD: "Not Available"). In summary, the available evidence is currently insufficient to determine the role of this variant in disease. Therefore, it has been classified as a Variant of Uncertain Significance.